The following is an entry in ClinVar:

NM_001349798.2(FBXW7):c.2065C>T (p.Arg689Trp)

Gene: FBXW7 (F-box and WD repeat domain containing 7; minus strand). Cytogenetic location: 4q31.3.
Variant type: single nucleotide variant.
Coding change: c.2065C>T on transcript NM_001349798.2 (MANE Select); coding-DNA position 2065, C replaced by T.
Protein change: p.Arg689Trp; replaces arginine 689 with tryptophan.
Molecular consequence: missense variant.
Genome position (GRCh38, 1-based): chr4:152,322,940, G>A on the plus strand (C>T on the coding strand, the complement: FBXW7 is on the minus strand). VCF-style: chr4-152322940-G-A. GRCh37 (hg19) VCF-style: chr4-153244092-G-A.
Other names: c.1711C>T, p.Arg571Trp (NM_001013415.2); c.1825C>T, p.Arg609Trp (NM_018315.5); c.2065C>T, p.Arg689Trp (NM_033632.3); short protein forms R571W, R609W, R689W.
Identifiers: ClinVar variation 2582613 (VCV002582613.9), dbSNP rs2126459661, ClinGen allele CA358616878.

ClinVar aggregate classification (germline): Conflicting classifications of pathogenicity. Review status: criteria provided, conflicting classifications (1 of 4 stars). 7 submissions from 7 submitters: Pathogenic (4); Likely pathogenic (2); Uncertain significance (1). Last evaluated 2026-09-03.
ClinVar aggregate classification (somatic clinical impact): Tier I - Strong (1 of 4 stars; one submission).

Conditions:
Developmental delay, hypotonia, and impaired language (DEDHIL). Identifiers: MedGen C5774202, MONDO:0859280, OMIM 620012.
Embryonal rhabdomyosarcoma (ERMS). Also called: Botryoid rhabdomyosarcoma (type of ERMS); Spindle cell rhabdomyosarcomas (type of ERMS). Identifiers: Orphanet 99757, MedGen C0206656, MONDO:0009993, HP:0006743.

Submissions (8):

MVZ Martinsried, Medicover Genetics
Classification: Pathogenic for Developmental delay, hypotonia, and impaired language. Last evaluated: 2026-09-03. Review status: criteria provided, single submitter. Criteria: ClinGen Variant Curation SOP V3.2 + Classification Guidance July2025. Collection method: clinical testing. Allele origin: de novo. Affected: yes. Observed: 1 heterozygote.

Labcorp Genetics (formerly Invitae), Labcorp
Classification: Pathogenic. Last evaluated: 2025-10-21. Review status: criteria provided, single submitter. Criteria: Invitae Variant Classification Sherloc (09022015). Collection method: clinical testing. Allele origin: germline.
Comment: This sequence change replaces arginine, which is basic and polar, with tryptophan, which is neutral and slightly polar, at codon 689 of the FBXW7 protein (p.Arg689Trp). This variant is not present in population databases (gnomAD no frequency). This missense change has been observed in individual(s) with neurodevelopmental disorder (PMID: 33057194, 35395208). In at least one individual the variant was observed to be de novo. ClinVar contains an entry for this variant (Variation ID: 2582613). An algorithm developed to predict the effect of missense changes on protein structure and function (PolyPhen-2) suggests that this variant is likely to be disruptive. For these reasons, this variant has been classified as Pathogenic.

Institute for Genomic Medicine (IGM) Clinical Laboratory, Nationwide Children's Hospital
Classification: Tier I - Strong for Embryonal rhabdomyosarcoma. Assertion type: diagnostic. Clinical significance: supports diagnosis. Last evaluated: 2025-10-10. Review status: criteria provided, single submitter. Criteria: AMP/ASCO/CAP Guidelines, 2017. Collection method: clinical testing. Allele origin: somatic. Affected: yes.
Comment: Variant has Tier I (strong) clinical significance as a diagnostic inclusion criterion in embryonal rhabdomyosarcoma, based on the following evidence: 1) Documented in one or more cancer databases (e.g., St. Jude Pecan, COSMIC, CIViC, OncoKB). 2) Appears in one or more well-established professional guidelines (e.g., World Health Organization [WHO]; National Comprehensive Cancer Network [NCCN]) as providing diagnostic, prognostic, or therapeutic information. 3) Information in the literature supports potential biologic effect of variant (PMIDs: 27147599, 32113998). 4) Diagnostic for a specific tumor type/classification based on well-powered studies with expert-level consensus (Evidence Level B; PMIDs: 24436047, 34166060, 25768946, 24332040).

3billion
Classification: Pathogenic for Developmental delay, hypotonia, and impaired language. Last evaluated: 2025-07-14. Review status: criteria provided, single submitter. Criteria: ACMG Guidelines, 2015. Collection method: clinical testing. Allele origin: germline. Affected: yes.
Comment: The variant is not observed in the gnomAD v4.1.0 dataset. Predicted Consequence/Location: Missense variant. Missense changes are a common disease-causing mechanism. In silico tool predictions suggest damaging effect of the variant on gene or gene product [3Cnet: 0.78 (> 0.75, sensitivity 0.96 and precision 0.92)]. The same nucleotide change resulting in the same amino acid change has been previously reported as pathogenic/likely pathogenic with strong evidence (ClinVar ID: VCV002582613 /PMID: 35395208). The variant has been previously reported as de novo in a similarly affected individual (PMID: 35395208). A different missense change at the same codon (p.Arg689Gln) has been reported to be associated with FBXW7-related disorder (ClinVar ID: VCV001702999 /PMID: 35395208). Therefore, this variant is classified as Pathogenic according to the recommendation of ACMG/AMP guideline.

Baylor Genetics
Classification: Pathogenic for Developmental delay, hypotonia, and impaired language. Last evaluated: 2023-08-02. Review status: criteria provided, single submitter. Criteria: ACMG Guidelines, 2015. Collection method: clinical testing. Allele origin: unknown.

Blueprint Genetics
Classification: Uncertain significance. Last evaluated: 2020-06-11. Review status: criteria provided, single submitter. Criteria: ACMG Guidelines, 2015. Collection method: clinical testing. Allele origin: germline.

Juno Genomics, Hangzhou Juno Genomics, Inc
Classification: Likely pathogenic for Developmental delay, hypotonia, and impaired language. Review status: criteria provided, single submitter. Criteria: ACMG Guidelines, 2015. Collection method: clinical testing. Allele origin: germline. Affected: yes.
Comment: Absent from controls (or at extremely low frequency if recessive) in Genome Aggregation Database.;Missense variant in a gene that has a low rate of benign missense variation.;The prevalence of the variant in affected individuals is significantly increased compared to the prevalence in controls.;De novo (both maternity and paternity confirmed) in a patient with the disease and no family history.

Kasturba Medical College, Manipal, Kasturba Medical College, Manipal, Manipal Academy of Higher Education, Manipal, India
Classification: Likely pathogenic for Developmental delay, hypotonia, and impaired language. Review status: criteria provided, single submitter. Criteria: ACMG Guidelines, 2015. Collection method: research. Allele origin: de novo. Inheritance: Autosomal dominant inheritance. Affected: yes. Observed: 1 heterozygote.
Comment: A known missense variant, c.2065C>T in exon 14 of FBXW7 was observed in heterozygous state in proband (Stephenson et al., 2022). This variant is not present in heterozygous and homozygous state in population database gnomAD and our in-house database of 2579 exomes. In silico prediction tools (CADD_Phred, REVEL, MutationTaster, ClinPred) are consistent in predicting the variant to be damaging to the protein function. A study by Stephenson et al (2022), reported this variant in three individuals in de novo state with global developmental delay, intellectual disability, hypotonia and macrocephaly.

Literature cited by the submitters: PubMed 33057194 (cited by Labcorp Genetics (formerly Invitae), Labcorp); PubMed 35395208 (cited by 3 submitters); PubMed 27147599 (cited by Institute for Genomic Medicine (IGM) Clinical Laboratory, Nationwide Children's Hospital); PubMed 32113998 (cited by Institute for Genomic Medicine (IGM) Clinical Laboratory, Nationwide Children's Hospital); PubMed 24436047 (cited by Institute for Genomic Medicine (IGM) Clinical Laboratory, Nationwide Children's Hospital); PubMed 34166060 (cited by Institute for Genomic Medicine (IGM) Clinical Laboratory, Nationwide Children's Hospital); PubMed 25768946 (cited by Institute for Genomic Medicine (IGM) Clinical Laboratory, Nationwide Children's Hospital); PubMed 24332040 (cited by Institute for Genomic Medicine (IGM) Clinical Laboratory, Nationwide Children's Hospital).